The following is an entry in ClinVar:

NM_000492.4(CFTR):c.1963G>A (p.Ala655Thr)

Gene: CFTR (CF transmembrane conductance regulator; plus strand). Cytogenetic location: 7q31.2.
Variant type: single nucleotide variant.
Coding change: c.1963G>A on transcript NM_000492.4 (MANE Select); coding-DNA position 1963, G replaced by A.
Protein change: p.Ala655Thr; replaces alanine 655 with threonine.
Molecular consequence: missense variant.
Genome position (GRCh38, 1-based): chr7:117,592,130, G>A. VCF-style: chr7-117592130-G-A. GRCh37 (hg19) VCF-style: chr7-117232184-G-A.
Other names: short protein forms A655T.
Identifiers: ClinVar variation 3656070 (VCV003656070.3).

ClinVar aggregate classification (germline): Uncertain significance. Review status: criteria provided, multiple submitters, no conflicts (2 of 4 stars). 2 submissions from 2 submitters: Uncertain significance (2). Last evaluated 2026-05-19.

Conditions:
Cystic fibrosis (CF). Also called: MUCOVISCIDOSIS. Identifiers: Orphanet 586, MedGen C0010674, MONDO:0009061, OMIM 219700. Disease mechanism: loss of function.

Submissions (2):

Ambry Genetics
Classification: Uncertain significance for Cystic fibrosis. Last evaluated: 2026-05-19. Review status: criteria provided, single submitter. Criteria: Ambry Variant Classification Scheme 2023. Collection method: clinical testing. Allele origin: germline.
Comment: The p.A655T variant (also known as c.1963G>A), located in coding exon 14 of the CFTR gene, results from a G to A substitution at nucleotide position 1963. The alanine at codon 655 is replaced by threonine, an amino acid with similar properties. This amino acid position is not well conserved in available vertebrate species. In addition, the in silico prediction for this alteration is inconclusive. Based on the available evidence, the clinical significance of this variant remains unclear.

Labcorp Genetics (formerly Invitae), Labcorp
Classification: Uncertain significance for Cystic fibrosis. Last evaluated: 2024-10-30. Review status: criteria provided, single submitter. Criteria: Invitae Variant Classification Sherloc (09022015). Collection method: clinical testing. Allele origin: germline.
Comment: This sequence change replaces alanine, which is neutral and non-polar, with threonine, which is neutral and polar, at codon 655 of the CFTR protein (p.Ala655Thr). This variant is not present in population databases (gnomAD no frequency). This variant has not been reported in the literature in individuals affected with CFTR-related conditions. Invitae Evidence Modeling of protein sequence and biophysical properties (such as structural, functional, and spatial information, amino acid conservation, physicochemical variation, residue mobility, and thermodynamic stability) indicates that this missense variant is not expected to disrupt CFTR protein function with a negative predictive value of 80%. In summary, the available evidence is currently insufficient to determine the role of this variant in disease. Therefore, it has been classified as a Variant of Uncertain Significance.